The following is an entry in ClinVar:

NM_025000.4(DCAF17):c.1071T>C (p.His357=)

Gene: DCAF17 (DDB1 and CUL4 associated factor 17; plus strand). Cytogenetic location: 2q31.1.
Variant type: single nucleotide variant.
Coding change: c.1071T>C on transcript NM_025000.4 (MANE Select); coding-DNA position 1071, T replaced by C.
Protein change: p.His357=; no amino-acid change (histidine 357 retained).
Molecular consequence: synonymous variant. On other transcripts: non-coding transcript variant (1), intron variant (1).
Genome position (GRCh38, 1-based): chr2:171,473,955, T>C. VCF-style: chr2-171473955-T-C. GRCh37 (hg19) VCF-style: chr2-172330465-T-C.
Other names: c.982-4032T>C (NM_001164821.2).
Identifiers: ClinVar variation 1990198 (VCV001990198.10), dbSNP rs753679131, ClinGen allele CA1964875.

ClinVar aggregate classification (germline): Likely benign. Review status: criteria provided, multiple submitters, no conflicts (2 of 4 stars). 2 submissions from 2 submitters: Likely benign (2). Last evaluated 2025-12-01.

Conditions:
Woodhouse-Sakati syndrome. Also called: Hypogonadism, Alopecia, Diabetes Mellitus, Mental Retardation, and Extrapyramidal Syndrome; Hypogonadism, diabetes mellitus, alopecia, mental retardation and electrocardiographic abnormalities; EXTRAPYRAMIDAL DISORDER, PROGRESSIVE, WITH PRIMARY HYPOGONADISM, MENTAL RETARDATION, AND ALOPECIA. Identifiers: Orphanet 3464, MedGen C0342286, MONDO:0009419, OMIM 241080.

Allele frequency attached by ClinVar (database versions not stated): gnomAD 0.00001; gnomAD exomes 0.00003; ExAC 0.00006; TOPMed 0.00009.
gnomAD v4.1: 20 of 1,613,516 alleles (0.0012%); highest among the groups gnomAD compares: Admixed American, 0.033%; no homozygotes.

Submissions (2):

CeGaT Center for Human Genetics Tuebingen
Classification: Likely benign. Last evaluated: 2025-12-01. Review status: criteria provided, single submitter. Criteria: CeGaT Center For Human Genetics Tuebingen Variant Classification Criteria Version 2. Collection method: clinical testing. Allele origin: germline. Affected: yes. Observed: 2 variant alleles.
Comment: DCAF17: BP4, BP7

Labcorp Genetics (formerly Invitae), Labcorp
Classification: Likely benign for Woodhouse-Sakati syndrome. Last evaluated: 2025-09-06. Review status: criteria provided, single submitter. Criteria: Invitae Variant Classification Sherloc (09022015). Collection method: clinical testing. Allele origin: germline.